The following is an entry in ClinVar:

NM_000944.5(PPP3CA):c.201G>C (p.Glu67Asp)

Gene: PPP3CA (protein phosphatase 3 catalytic subunit alpha; minus strand). Cytogenetic location: 4q24.
Variant type: single nucleotide variant.
Coding change: c.201G>C on transcript NM_000944.5 (MANE Select); coding-DNA position 201, G replaced by C.
Protein change: p.Glu67Asp; replaces glutamic acid 67 with aspartic acid.
Molecular consequence: missense variant.
Genome position (GRCh38, 1-based): chr4:101,195,974, C>G on the plus strand (G>C on the coding strand, the complement: PPP3CA is on the minus strand). VCF-style: chr4-101195974-C-G. GRCh37 (hg19) VCF-style: chr4-102117131-C-G.
Other names: c.201G>C, p.Glu67Asp (NM_001130691.2, NM_001130692.2); c.201G>C (NM_000944.4); short protein forms E67D.
Identifiers: ClinVar variation 2045458 (VCV002045458.5), dbSNP rs1216354530, ClinGen allele CA357950836.
Genomic context (GRCh38, chr4:101,195,974, plus strand): 5'-ACCAGTGACTGGCGCATCAATATCCAGCAAATTTTTTTCCTGTCGAAGAATTGATGCACC[C>G]TCTGTTATTATTCTCAATGCAACACTCTCTTCCAGCCTTCCCTCCTTCATAAGATGCGCC-3'
Protein context (NP_000935.1, residues 57-77): EESVALRIIT[Glu67Asp]GASILRQEKN

ClinVar aggregate classification (germline): Uncertain significance. Review status: criteria provided, multiple submitters, no conflicts (2 of 4 stars). 2 submissions from 2 submitters: Uncertain significance (2). Last evaluated 2024-06-15.

gnomAD v4.1: 4 of 1,614,020 alleles (0.00025%); highest among the groups gnomAD compares: Non-Finnish European, 0.00034%; no homozygotes.

Submissions (2):

GeneDx
Classification: Uncertain significance. Last evaluated: 2024-06-15. Review status: criteria provided, single submitter. Criteria: GeneDx Variant Classification Process June 2021. Collection method: clinical testing. Allele origin: germline. Affected: yes.
Comment: Not observed at significant frequency in large population cohorts (gnomAD); In silico analysis indicates that this missense variant does not alter protein structure/function; Has not been previously published as pathogenic or benign to our knowledge

Labcorp Genetics (formerly Invitae), Labcorp
Classification: Uncertain significance. Last evaluated: 2022-07-11. Review status: criteria provided, single submitter. Criteria: Invitae Variant Classification Sherloc (09022015). Collection method: clinical testing. Allele origin: germline.
Comment: This variant has not been reported in the literature in individuals affected with PPP3CA-related conditions. This variant is not present in population databases (gnomAD no frequency). This sequence change replaces glutamic acid, which is acidic and polar, with aspartic acid, which is acidic and polar, at codon 67 of the PPP3CA protein (p.Glu67Asp). Algorithms developed to predict the effect of missense changes on protein structure and function (SIFT, PolyPhen-2, Align-GVGD) all suggest that this variant is likely to be tolerated. In summary, the available evidence is currently insufficient to determine the role of this variant in disease. Therefore, it has been classified as a Variant of Uncertain Significance.